The following is an entry in ClinVar:

ClinVar aggregate classification (germline): Uncertain significance (1 of 4 stars; one submission).

gnomAD v4.1: 27 of 1,612,644 alleles (0.0017%); highest among the groups gnomAD compares: African/African-American, 0.004%; no homozygotes.

Submission:

Ambry Genetics
Classification: Uncertain significance. Last evaluated: 2024-12-06. Review status: criteria provided, single submitter. Criteria: Ambry Variant Classification Scheme 2023. Collection method: clinical testing. Allele origin: germline.
Comment: The p.P2209A variant (also known as c.6625C>G), located in coding exon 28 of the WNK2 gene, results from a C to G substitution at nucleotide position 6625. The proline at codon 2209 is replaced by alanine, an amino acid with highly similar properties. This amino acid position is conserved. In addition, this alteration is predicted to be tolerated by in silico analysis. Based on the available evidence, the clinical significance of this variant remains unclear.

NM_006648.4(WNK2):c.6625C>G (p.Pro2209Ala)

Gene: WNK2 (WNK lysine deficient protein kinase 2; plus strand). Cytogenetic location: 9q22.31.
Variant type: single nucleotide variant.
Coding change: c.6625C>G on transcript NM_006648.4 (MANE Select); coding-DNA position 6625, C replaced by G.
Protein change: p.Pro2209Ala; replaces proline 2209 with alanine.
Molecular consequence: missense variant.
Genome position (GRCh38, 1-based): chr9:93,317,628, C>G. VCF-style: chr9-93317628-C-G. GRCh37 (hg19) VCF-style: chr9-96079910-C-G.
Other names: c.6736C>G, p.Pro2246Ala (NM_001282394.3); short protein forms P2246A, P2209A.
Identifiers: ClinVar variation 3470595 (VCV003470595.1).